The following is an entry in ClinVar:

NM_005219.5(DIAPH1):c.740C>G (p.Ala247Gly)

Gene: DIAPH1 (diaphanous related formin 1; minus strand). Cytogenetic location: 5q31.3.
Variant type: single nucleotide variant.
Coding change: c.740C>G on transcript NM_005219.5 (MANE Select); coding-DNA position 740, C replaced by G.
Protein change: p.Ala247Gly; replaces alanine 247 with glycine.
Molecular consequence: missense variant.
Genome position (GRCh38, 1-based): chr5:141,580,828, G>C on the plus strand (C>G on the coding strand, the complement: DIAPH1 is on the minus strand). VCF-style: chr5-141580828-G-C. GRCh37 (hg19) VCF-style: chr5-140960395-G-C.
Other names: c.713C>G, p.Ala238Gly (NM_001079812.3); c.740C>G, p.Ala247Gly (NM_001314007.2); short protein forms A238G, A247G.
Identifiers: ClinVar variation 2940946 (VCV002940946.3), dbSNP rs370794285, ClinGen allele CA128441024.

ClinVar aggregate classification (germline): Uncertain significance (1 of 4 stars; one submission).

Conditions:
Progressive microcephaly-seizures-cortical blindness-developmental delay syndrome. Also called: Seizures, cortical blindness, and microcephaly syndrome. Identifiers: Orphanet 477814, MedGen C5567650, MONDO:0014714, OMIM 616632.
Autosomal dominant nonsyndromic hearing loss 1. Also called: KONIGSMARK SYNDROME; DEAFNESS, AUTOSOMAL DOMINANT 1, WITH OR WITHOUT THROMBOCYTOPENIA. Identifiers: Orphanet 90635, MedGen C1852282, MONDO:0007424, OMIM 124900.

Allele frequency attached by ClinVar (database versions not stated): gnomAD 0.00001; TOPMed 0.00002; ESP Exome Variant Server 0.00008.
gnomAD v4.1: 6 of 1,614,030 alleles (0.00037%); highest among the groups gnomAD compares: African/African-American, 0.0067%; no homozygotes.

Submission:

Labcorp Genetics (formerly Invitae), Labcorp
Classification: Uncertain significance for Progressive microcephaly-seizures-cortical blindness-developmental delay syndrome; Autosomal dominant nonsyndromic hearing loss 1. Last evaluated: 2023-10-28. Review status: criteria provided, single submitter. Criteria: Invitae Variant Classification Sherloc (09022015). Collection method: clinical testing. Allele origin: germline.
Comment: This sequence change replaces alanine, which is neutral and non-polar, with glycine, which is neutral and non-polar, at codon 247 of the DIAPH1 protein (p.Ala247Gly). This variant is present in population databases (rs370794285, gnomAD 0.02%). This variant has not been reported in the literature in individuals affected with DIAPH1-related conditions. Experimental studies and prediction algorithms are not available or were not evaluated, and the functional significance of this variant is currently unknown. In summary, the available evidence is currently insufficient to determine the role of this variant in disease. Therefore, it has been classified as a Variant of Uncertain Significance.